The following is an entry in ClinVar:

ClinVar aggregate classification (germline): Uncertain significance (1 of 4 stars; one submission).

Conditions:
Adams-Oliver syndrome 5 (AOS5). Identifiers: Orphanet 974, MedGen C4014970, MONDO:0014459, OMIM 616028.

gnomAD v4.1: 6 of 1,612,780 alleles (0.00037%); highest among the groups gnomAD compares: Non-Finnish European, 0.00042%; no homozygotes.

Submission:

Labcorp Genetics (formerly Invitae), Labcorp
Classification: Uncertain significance for Adams-Oliver syndrome 5. Last evaluated: 2024-05-02. Review status: criteria provided, single submitter. Criteria: Invitae Variant Classification Sherloc (09022015). Collection method: clinical testing. Allele origin: germline.
Comment: This sequence change replaces serine, which is neutral and polar, with arginine, which is basic and polar, at codon 1464 of the NOTCH1 protein (p.Ser1464Arg). This variant is not present in population databases (gnomAD no frequency). This variant has not been reported in the literature in individuals affected with NOTCH1-related conditions. Advanced modeling of protein sequence and biophysical properties (such as structural, functional, and spatial information, amino acid conservation, physicochemical variation, residue mobility, and thermodynamic stability) has been performed at Invitae for this missense variant, however the output from this modeling did not meet the statistical confidence thresholds required to predict the impact of this variant on NOTCH1 protein function. In summary, the available evidence is currently insufficient to determine the role of this variant in disease. Therefore, it has been classified as a Variant of Uncertain Significance.

NM_017617.5(NOTCH1):c.4392C>G (p.Ser1464Arg)

Gene: NOTCH1 (notch receptor 1; minus strand). Cytogenetic location: 9q34.3.
Variant type: single nucleotide variant.
Coding change: c.4392C>G on transcript NM_017617.5 (MANE Select); coding-DNA position 4392, C replaced by G.
Protein change: p.Ser1464Arg; replaces serine 1464 with arginine.
Molecular consequence: missense variant.
Genome position (GRCh38, 1-based): chr9:136,505,504, G>C on the plus strand (C>G on the coding strand, the complement: NOTCH1 is on the minus strand). VCF-style: chr9-136505504-G-C. GRCh37 (hg19) VCF-style: chr9-139399956-G-C.
Other names: short protein forms S1464R.
Identifiers: ClinVar variation 3719242 (VCV003719242.2).